The following is an entry in ClinVar:

NM_153704.6(TMEM67):c.1788_1789del (p.Ser597fs)

Gene: TMEM67 (transmembrane protein 67; plus strand). Cytogenetic location: 8q22.1.
Variant type: Microsatellite.
Coding change: c.1788_1789del on transcript NM_153704.6 (MANE Select); coding-DNA positions 1788 to 1789, 2 bases deleted (GT; older notation c.1788_1789delGT).
Protein change: p.Ser597fs; shifts the reading frame from serine 597.
Molecular consequence: frameshift variant. On other transcripts: non-coding transcript variant (1).
Genome position (GRCh38, 1-based): chr8:93,795,915-93,795,916, GT deleted; deleting any 2 consecutive bases within chr8:93,795,912-93,795,916 gives the same sequence; the c. name uses the placement nearest the transcript's 3' end. VCF-style (leftmost placement, unchanged base first): chr8-93795911-CTG-C. GRCh37 (hg19) VCF-style: chr8-94808139-CTG-C.
Other names: c.1545_1546del, p.Ser516fs (NM_001142301.1); c.1786_1787GT[1], p.Ser597Cysfs (NM_153704.5); c.1788_1789delGT (NM_153704.5); short protein forms S597fs, S516fs.
Identifiers: ClinVar variation 2954104 (VCV002954104.4), dbSNP rs1420027196, ClinGen allele CA583412469.

ClinVar aggregate classification (germline): Pathogenic. Review status: criteria provided, multiple submitters, no conflicts (2 of 4 stars). 2 submissions from 2 submitters: Pathogenic (2). Last evaluated 2024-11-02.

Conditions:
TMEM67-related disorder. Also called: TMEM67-related condition; TMEM67-related disorders. Identifiers: MedGen CN239423.
Meckel-Gruber syndrome. Also called: Dysencephalia splachnocystica; DYSENCEPHALIA SPLANCHNOCYSTICA; GRUBER SYNDROME. Identifiers: Orphanet 564, MedGen C0265215, MONDO:0018921.
Joubert syndrome. Also called: Familial aplasia of the vermis; JOUBERT-BOLTSHAUSER SYNDROME. Identifiers: Orphanet 475, MedGen C5979921, MONDO:0018772.

Submissions (2):

PreventionGenetics, part of Exact Sciences
Classification: Pathogenic for TMEM67-related condition. Last evaluated: 2024-11-02. Review status: criteria provided, single submitter. Criteria: ACMG Guidelines, 2015. Collection method: clinical testing. Allele origin: germline.
Comment: The TMEM67 c.1788_1789delGT variant is predicted to result in a frameshift and premature protein termination (p.Ser597Cysfs*30). To our knowledge, this variant has not been reported in the literature. This variant is reported in 0.0065% of alleles in individuals of European (Non-Finnish) descent in gnomAD. Frameshift variants in TMEM67 are expected to be pathogenic. This variant is interpreted as pathogenic.

Labcorp Genetics (formerly Invitae), Labcorp
Classification: Pathogenic for Joubert syndrome; Meckel-Gruber syndrome. Last evaluated: 2023-04-28. Review status: criteria provided, single submitter. Criteria: Invitae Variant Classification Sherloc (09022015). Collection method: clinical testing. Allele origin: germline.
Comment: This sequence change creates a premature translational stop signal (p.Ser597Cysfs*30) in the TMEM67 gene. It is expected to result in an absent or disrupted protein product. Loss-of-function variants in TMEM67 are known to be pathogenic (PMID: 20232449, 23559409). For these reasons, this variant has been classified as Pathogenic. This variant has not been reported in the literature in individuals affected with TMEM67-related conditions. This variant is present in population databases (no rsID available, gnomAD 0.007%).

Literature cited by the submitters: PubMed 20232449 (cited by Labcorp Genetics (formerly Invitae), Labcorp); PubMed 23559409 (cited by Labcorp Genetics (formerly Invitae), Labcorp).